The following is an entry in ClinVar:

ClinVar aggregate classification (germline): Conflicting classifications of pathogenicity. Review status: criteria provided, conflicting classifications (1 of 4 stars). 5 submissions from 5 submitters: Uncertain significance (2); Likely benign (2). 1 of the submissions does not count toward it. Last evaluated 2026-01-27.

Conditions:
Jeune thoracic dystrophy. Also called: Jeune syndrome; Infantile thoracic dystrophy; Thoracic pelvic phalangeal dystrophy; Jeune's syndrome; Chondroectodermal dysplasia-like syndrome; Short-rib thoracic dysplasia. Identifiers: Orphanet 474, MedGen C0265275, MONDO:0018770.
Inborn genetic diseases. Identifiers: MedGen C0950123, MeSH D030342.
Asphyxiating thoracic dystrophy 3. Also called: SHORT-RIB THORACIC DYSPLASIA 3 WITH OR WITHOUT POLYDACTYLY; POLYDACTYLY WITH NEONATAL CHONDRODYSTROPHY, TYPE I; SHORT-RIB THORACIC DYSPLASIA 3/6 WITH POLYDACTYLY, DIGENIC; Short rib polydactyly syndrome 2B; Saldino-Noonan Syndrome. Identifiers: Orphanet 474, Orphanet 93269, Orphanet 93270, Orphanet 93271, MedGen C0036069, MONDO:0013127, OMIM 613091.

Allele frequency attached by ClinVar (database versions not stated): gnomAD exomes 0.00029 and 0.00067; ExAC 0.00032; TOPMed 0.00039; gnomAD 0.00040 and 0.00041; ESP Exome Variant Server 0.00075.
gnomAD v4.1: 1,074 of 1,612,692 alleles (0.067%); highest among the groups gnomAD compares: Non-Finnish European, 0.084%; no homozygotes.

Submissions (5):

Labcorp Genetics (formerly Invitae), Labcorp
Classification: Likely benign for Jeune thoracic dystrophy. Last evaluated: 2026-01-27. Review status: criteria provided, single submitter. Criteria: Invitae Variant Classification Sherloc (09022015). Collection method: clinical testing. Allele origin: germline.

Blueprint Genetics
Classification: Likely benign. Last evaluated: 2024-03-28. Review status: criteria provided, single submitter. Criteria: ACMG Guidelines, 2015. Collection method: clinical testing. Allele origin: germline.

Ambry Genetics
Classification: Uncertain significance for Inborn genetic diseases. Last evaluated: 2021-09-17. Review status: criteria provided, single submitter. Criteria: Ambry Variant Classification Scheme 2023. Collection method: clinical testing. Allele origin: germline.

Illumina Laboratory Services, Illumina
Classification: Uncertain significance for Asphyxiating thoracic dystrophy 3. Last evaluated: 2018-01-13. Review status: criteria provided, single submitter. Criteria: ICSL Variant Classification Criteria 13 December 2019. Collection method: clinical testing. Allele origin: germline.

Department of Pathology and Laboratory Medicine, Sinai Health System
Classification: Uncertain significance. Review status: no assertion criteria provided. Collection method: clinical testing. Allele origin: unknown. Affected: yes. Study: The Canadian Open Genetics Repository (COGR). Not counted in ClinVar's aggregate classification.
Comment: The DYNC2H1 p.Gly2257Ser variant was not identified in the literature nor was it identified in ClinVar. The variant was identified in dbSNP (ID: rs199897162) and in control databases in 84 of 279860 chromosomes at a frequency of 0.0003002 (Genome Aggregation Database March 6, 2019, v2.1.1). The variant was observed in the following populations: European (non-Finnish) in 80 of 127876 chromosomes (freq: 0.000626), Other in 2 of 7114 chromosomes (freq: 0.000281), African in 1 of 24188 chromosomes (freq: 0.000041) and South Asian in 1 of 30594 chromosomes (freq: 0.000033), but was not observed in the Latino, Ashkenazi Jewish, East Asian, or European (Finnish) populations. The p.Gly2257 residue is not conserved in mammals and computational analyses (PolyPhen-2, SIFT, AlignGVGD, BLOSUM, MutationTaster) do not suggest a high likelihood of impact to the protein; however, this information is not predictive enough to rule out pathogenicity. The variant occurs outside of the splicing consensus sequence and 1 of 4 in silico or computational prediction software programs (SpliceSiteFinder, MaxEntScan, NNSPLICE, GeneSplicer) predict a greater than 10% difference in splicing; this is not very predictive of pathogenicity. In summary, based on the above information the clinical significance of this variant cannot be determined with certainty at this time. This variant is classified as a variant of uncertain significance.

NM_001377.3(DYNC2H1):c.6769G>A (p.Gly2257Ser)

Gene: DYNC2H1 (dynein cytoplasmic 2 heavy chain 1; plus strand). Cytogenetic location: 11q22.3.
Variant type: single nucleotide variant.
Coding change: c.6769G>A on transcript NM_001377.3 (MANE Select); coding-DNA position 6769, G replaced by A.
Protein change: p.Gly2257Ser; replaces glycine 2257 with serine.
Molecular consequence: missense variant.
Genome position (GRCh38, 1-based): chr11:103,186,377, G>A. VCF-style: chr11-103186377-G-A. GRCh37 (hg19) VCF-style: chr11-103057106-G-A.
Other names: c.6769G>A, p.Gly2257Ser (NM_001080463.2); short protein forms G2257S.
Identifiers: ClinVar variation 878100 (VCV000878100.20), dbSNP rs199897162, ClinGen allele CA6254070.
Genomic context (GRCh38, chr11:103,186,377, plus strand): 5'-CGATTAGCAACATATGTGCTTAAGAAGCCAGAAGACTTGACTGCTGATGATTTCAGTAAC[G>A]GCTTAACTCTTCCAGTCATTCAGACTCCTGACATGCAACGAGGTCTAGATTATTTCAAAC-3'
Protein context (NP_001368.2, residues 2247-2267): EDLTADDFSN[Gly2257Ser]LTLPVIQTPD